The following is an entry in ClinVar:

ClinVar aggregate classification (germline): Uncertain significance (1 of 4 stars; one submission).

Allele frequency attached by ClinVar (database versions not stated): gnomAD 0.00001; gnomAD exomes 0.00001; TOPMed 0.00001.

Submission:

Labcorp Genetics (formerly Invitae), Labcorp
Classification: Uncertain significance. Last evaluated: 2025-12-18. Review status: criteria provided, single submitter. Criteria: Invitae Variant Classification Sherloc (09022015). Collection method: clinical testing. Allele origin: germline.
Comment: This sequence change replaces valine, which is neutral and non-polar, with methionine, which is neutral and non-polar, at codon 144 of the FOXI3 protein (p.Val144Met). This variant is present in population databases (rs758036621, gnomAD 0.003%). This variant has not been reported in the literature in individuals affected with FOXI3-related conditions. ClinVar contains an entry for this variant (Variation ID: 1898182). Experimental studies and prediction algorithms are not available or were not evaluated, and the functional significance of this variant is currently unknown. In summary, the available evidence is currently insufficient to determine the role of this variant in disease. Therefore, it has been classified as a Variant of Uncertain Significance.

NM_001135649.3(FOXI3):c.430G>A (p.Val144Met)

Gene: FOXI3 (forkhead box I3; minus strand). Cytogenetic location: 2p11.2.
Variant type: single nucleotide variant.
Coding change: c.430G>A on transcript NM_001135649.3 (MANE Select); coding-DNA position 430, G replaced by A.
Protein change: p.Val144Met; replaces valine 144 with methionine.
Molecular consequence: missense variant.
Genome position (GRCh38, 1-based): chr2:88,452,106, C>T on the plus strand (G>A on the coding strand, the complement: FOXI3 is on the minus strand). VCF-style: chr2-88452106-C-T. GRCh37 (hg19) VCF-style: chr2-88751625-C-T.
Other names: short protein forms V144M.
Identifiers: ClinVar variation 1898182 (VCV001898182.5), dbSNP rs758036621, ClinGen allele CA1754043.